The following is an entry in ClinVar:

NM_001164508.2(NEB):c.1152+1G>T

Gene: NEB (nebulin; minus strand). Cytogenetic location: 2q23.3.
Variant type: single nucleotide variant.
Coding change: c.1152+1G>T on transcript NM_001164508.2 (MANE Select); the canonical splice donor site of the intron after coding-DNA position 1152, G replaced by T.
Molecular consequence: splice donor variant.
Genome position (GRCh38, 1-based): chr2:151,706,880, C>A on the plus strand (G>T on the coding strand, the complement: NEB is on the minus strand). VCF-style: chr2-151706880-C-A. GRCh37 (hg19) VCF-style: chr2-152563394-C-A.
Other names: c.1152+1G>T (NM_004543.5, NM_001164507.2, NM_001271208.2).
Identifiers: ClinVar variation 974957 (VCV000974957.9), dbSNP rs398124167, ClinGen allele CA1911683.

ClinVar aggregate classification (germline): Pathogenic/Likely pathogenic. Review status: criteria provided, multiple submitters, no conflicts (2 of 4 stars). 4 submissions from 4 submitters: Pathogenic (3); Likely pathogenic (1). Last evaluated 2024-06-12.

Conditions:
Nemaline myopathy. Also called: Myopathies, Nemaline. Identifiers: Orphanet 607, MedGen C0206157, MONDO:0018958.
Arthrogryposis multiplex congenita 6. Identifiers: MedGen C5543431, MONDO:0030281, OMIM 619334.
Nemaline myopathy 2 (NEM2). Also called: Nemaline myopathy 2, autosomal recessive. Identifiers: MedGen C1850569, MONDO:0009725, OMIM 256030.

Allele frequency attached by ClinVar (database versions not stated): ExAC 0.00002.
gnomAD v4.1: 6 of 1,588,466 alleles (0.00038%); highest among the groups gnomAD compares: Non-Finnish European, 0.00051%; no homozygotes.

Submissions (4):

Natera, Inc.
Classification: Likely pathogenic for Nemaline myopathy type 2. Last evaluated: 2024-06-12. Review status: criteria provided, single submitter. Criteria: Natera Variant Classification Schema (03/2026). Collection method: clinical testing. Allele origin: germline.
Comment: The c.1152+1G>T variant in NEB is a canonical splice donor site variant predicted to affect pre-mRNA splicing, which may result in an abnormal transcript and altered protein product. This variant may result in a truncated or dysfunctional protein product. This variant is rare in the general population with a frequency below the threshold expected for the associated phenotype(s). This variant has been observed in one or more individuals affected with the associated recessive disease, as either homozygous or compound heterozygous with a second variant (PMID: 21798101). Additionally, this variant has been observed to segregate in affected family members (PMID: 21798101). Given the available evidence, this variant is classified as Likely Pathogenic.

Baylor Genetics
Classification: Pathogenic for Arthrogryposis multiplex congenita 6. Last evaluated: 2023-08-10. Review status: criteria provided, single submitter. Criteria: ACMG Guidelines, 2015. Collection method: clinical testing. Allele origin: unknown.

Labcorp Genetics (formerly Invitae), Labcorp
Classification: Pathogenic for Nemaline myopathy 2. Last evaluated: 2022-08-04. Review status: criteria provided, single submitter. Criteria: Invitae Variant Classification Sherloc (09022015). Collection method: clinical testing. Allele origin: germline.
Comment: For these reasons, this variant has been classified as Pathogenic. Algorithms developed to predict the effect of sequence changes on RNA splicing suggest that this variant may disrupt the consensus splice site. ClinVar contains an entry for this variant (Variation ID: 974957). Disruption of this splice site has been observed in individual(s) with nemaline myopathy (PMID: 21798101). It has also been observed to segregate with disease in related individuals. The frequency data for this variant in the population databases is considered unreliable, as metrics indicate poor data quality at this position in the gnomAD database. This sequence change affects a donor splice site in intron 13 of the NEB gene. It is expected to disrupt RNA splicing. Variants that disrupt the donor or acceptor splice site typically lead to a loss of protein function (PMID: 16199547), and loss-of-function variants in NEB are known to be pathogenic (PMID: 25205138).

Women's Health and Genetics/Laboratory Corporation of America, LabCorp
Classification: Pathogenic for Nemaline myopathy. Last evaluated: 2020-07-20. Review status: criteria provided, single submitter. Criteria: LabCorp Variant Classification Summary - May 2015. Collection method: clinical testing. Allele origin: germline.
Comment: Variant summary: NEB c.1152+1G>T is located in a canonical splice-site and is predicted to affect mRNA splicing resulting in a significantly altered protein due to either exon skipping, shortening, or inclusion of intronic material. Several computational tools predict a significant impact on normal splicing: Four predict the variant abolishes a 5 splicing donor site. The variant allele was found at a frequency of 9.1e-06 in 219184 control chromosomes (gnomAD). c.1152+1G>T has been reported in the literature, in compound heterozygous state, in two siblings with severe Nemaline Myopathy, arthrogryposis and neonatal death (e.g. Lawlor_2011). These data indicate that the variant is likely to be associated with disease. Muscle biopsies from the affected siblings exhibited significantly lower levels of detectable nebulin protein than those in normal control muscle biopsies. Mechanical studies of skinned myofibers revealed marked impairment of force development, with an increase in tension cost. No clinical diagnostic laboratories have submitted clinical-significance assessments for this variant to ClinVar after 2014. Other variants affecting the same nucleotide (e.g. c.1152+1G>C, c.1152+1G>A) have been classified as pathogenic via internal testing and in ClinVar. Based on the evidence outlined above, the variant was classified as pathogenic.

Literature cited by the submitters: PubMed 21798101 (cited by 3 submitters); PubMed 16199547 (cited by Labcorp Genetics (formerly Invitae), Labcorp); PubMed 25205138 (cited by Labcorp Genetics (formerly Invitae), Labcorp).